The following is an entry in ClinVar:

NM_000141.5(FGFR2):c.2302-1838G>A

Gene: FGFR2 (fibroblast growth factor receptor 2; minus strand). Cytogenetic location: 10q26.13.
Variant type: single nucleotide variant.
Coding change: c.2302-1838G>A on transcript NM_000141.5 (MANE Select); 1838 bases into the intron before coding-DNA position 2302, G replaced by A.
Molecular consequence: intron variant. On other transcripts: 3 prime UTR variant (2).
Genome position (GRCh38, 1-based): chr10:121,481,859, C>T on the plus strand (G>A on the coding strand, the complement: FGFR2 is on the minus strand). VCF-style: chr10-121481859-C-T. GRCh37 (hg19) VCF-style: chr10-123241373-C-T.
Other names: c.*313G>A (NM_001144913.1, NM_001144919.2); c.1966-1838G>A (NM_001144914.1); c.1951-1838G>A (NM_001144918.2); c.1951-1746G>A (NM_001441091.1); c.1957-1838G>A (NM_001441090.1, NM_001144916.2); c.2029-1838G>A (NM_001441089.1); c.2035-1838G>A (NM_023029.3); c.2032-1838G>A (NM_001441088.1); and 6 more.
Identifiers: ClinVar variation 667903 (VCV000667903.2), dbSNP rs3135817, ClinGen allele CA13206482.

ClinVar aggregate classification (germline): Benign. Review status: criteria provided, multiple submitters, no conflicts (2 of 4 stars). 2 submissions from 2 submitters: Benign (2). Last evaluated 2018-06-14.

Allele frequency attached by ClinVar (database versions not stated): TOPMed 0.45830; gnomAD 0.49654; 1000 Genomes Project 0.43151.

Submissions (2):

GeneDx
Classification: Benign. Last evaluated: 2018-06-14. Review status: criteria provided, single submitter. Criteria: GeneDx Variant Classification (06012015). Collection method: clinical testing. Allele origin: germline. Affected: yes.
Comment: This variant is considered likely benign or benign based on one or more of the following criteria: it is a conservative change, it occurs at a poorly conserved position in the protein, it is predicted to be benign by multiple in silico algorithms, and/or has population frequency not consistent with disease.

Breakthrough Genomics
Classification: Benign. Review status: criteria provided, single submitter. Criteria: ACMG Guidelines, 2015. Collection method: not provided. Allele origin: germline. Inheritance: Autosomal dominant inheritance. Affected: yes.